The following is an entry in ClinVar:

NM_004519.4(KCNQ3):c.168G>C (p.Ala56=)

Gene: KCNQ3 (potassium voltage-gated channel subfamily Q member 3; minus strand). Cytogenetic location: 8q24.22.
Variant type: single nucleotide variant.
Coding change: c.168G>C on transcript NM_004519.4 (MANE Select); coding-DNA position 168, G replaced by C.
Protein change: p.Ala56=; no amino-acid change (alanine 56 retained).
Molecular consequence: synonymous variant.
Genome position (GRCh38, 1-based): chr8:132,480,365, C>G on the plus strand (G>C on the coding strand, the complement: KCNQ3 is on the minus strand). VCF-style: chr8-132480365-C-G. GRCh37 (hg19) VCF-style: chr8-133492612-C-G.
Identifiers: ClinVar variation 390760 (VCV000390760.9), dbSNP rs777374664, ClinGen allele CA4881010.
Genomic context (GRCh38, chr8:132,480,365, plus strand): 5'-CTCGTCGCGGCCGCCGCCCTCCAGCAGCAGGGTCCCGTCTTTGTCGGCTCCGGCCCCGAG[C>G]GCCAAGGTGACTTGCTCCACGTCGCCGGGCGCCAGCCCCACTTTCCGCTCCTCGTCGCCG-3'
Protein context (NP_004510.1, residues 46-66): APGDVEQVTL[Ala56=]LGAGADKDGT

ClinVar aggregate classification (germline): Likely benign. Review status: criteria provided, multiple submitters, no conflicts (2 of 4 stars). 2 submissions from 2 submitters: Likely benign (2). Last evaluated 2025-09-24.

Conditions:
Benign neonatal seizures. Also called: Benign familial neonatal seizures; Benign neonatal familial convulsions; Benign familial neonatal epilepsy; Convulsions benign familial neonatal dominant form; Autosomal dominant form of benign neonatal seizures. Identifiers: Orphanet 1949, MedGen C0220669, MONDO:0016027.

Allele frequency attached by ClinVar (database versions not stated): ExAC 0.00003; gnomAD exomes 0.00004; TOPMed 0.00004; gnomAD 0.00009.
gnomAD v4.1: 34 of 1,587,590 alleles (0.0021%); highest among the groups gnomAD compares: Admixed American, 0.037%; no homozygotes.

Submissions (2):

Labcorp Genetics (formerly Invitae), Labcorp
Classification: Likely benign for Benign neonatal seizures. Last evaluated: 2025-09-24. Review status: criteria provided, single submitter. Criteria: Invitae Variant Classification Sherloc (09022015). Collection method: clinical testing. Allele origin: germline.

GeneDx
Classification: Likely benign. Last evaluated: 2016-11-10. Review status: criteria provided, single submitter. Criteria: GeneDx Variant Classification (06012015). Collection method: clinical testing. Allele origin: germline. Affected: yes.
Comment: This variant is considered likely benign or benign based on one or more of the following criteria: it is a conservative change, it occurs at a poorly conserved position in the protein, it is predicted to be benign by multiple in silico algorithms, and/or has population frequency not consistent with disease.